The following is an entry in ClinVar:

NM_018122.5(DARS2):c.527T>C (p.Leu176Ser)

Gene: DARS2 (aspartyl-tRNA synthetase 2, mitochondrial; plus strand). Cytogenetic location: 1q25.1.
Variant type: single nucleotide variant.
Coding change: c.527T>C on transcript NM_018122.5 (MANE Select); coding-DNA position 527, T replaced by C.
Protein change: p.Leu176Ser; replaces leucine 176 with serine.
Molecular consequence: missense variant.
Genome position (GRCh38, 1-based): chr1:173,833,410, T>C. VCF-style: chr1-173833410-T-C. GRCh37 (hg19) VCF-style: chr1-173802548-T-C.
Other names: c.527T>C, p.Leu176Ser (NM_001365212.1, NM_001365213.2); short protein forms L176S.
Identifiers: ClinVar variation 427121 (VCV000427121.2), dbSNP rs1085307970, ClinGen allele CA343759749.

ClinVar aggregate classification (germline): Likely pathogenic (1 of 4 stars; one submission).

Submission:

GeneDx
Classification: Likely pathogenic. Last evaluated: 2015-05-28. Review status: criteria provided, single submitter. Criteria: GeneDx Variant Classification (06012015). Collection method: clinical testing. Allele origin: germline. Affected: yes.
Comment: The L176S variant in the DARS2 gene has not been published as a pathogenic variant, nor has it been reported as a benign polymorphism to our knowledge. The L176S variant was not observed in approximately 6500 individuals of European and African American ancestry in the NHLBI Exome Sequencing Project, indicating it is not a common benign variant in these populations. The L176S variant is a non-conservative amino acid substitution, which is likely to impact secondary protein structure as these residues differ in polarity, charge, size and/or other properties. This substitution occurs at a position that is conserved across species. In silico analysis predicts this variant is probably damaging to the protein structure/function. Missense variants in nearby residues (R179H, Q184K) have been reported in the Human Gene Mutation Database in association with DARS2-related leukoencephalopathy (Stenson et al., 2014), supporting the functional importance of this region of the protein. The L176S variant is a strong candidate for a disease-causing variant, however the possibility it may be a rare benign variant cannot be excluded.